The following is an entry in ClinVar:

ClinVar aggregate classification (germline): Benign (1 of 4 stars; one submission).

gnomAD v4.1: 21,100 of 1,610,570 alleles (1.3%); highest among the groups gnomAD compares: Middle Eastern, 1.6%; 155 homozygotes.

Submissions (32):

CeGaT Center for Human Genetics Tuebingen
Classification: Benign. Last evaluated: 2025-01-01. Review status: criteria provided, single submitter. Criteria: CeGaT Center For Human Genetics Tuebingen Variant Classification Criteria Version 2. Collection method: clinical testing. Allele origin: germline. Affected: yes. Observed: 1 variant allele.
Comment: EIF5B: PP3, BS1, BS2

Dr. Peter K. Rogan Lab, Western University
No classification provided (evidence only). Condition: Lung cancer. Review status: no classification provided. Collection method: in vitro. Allele origin: not applicable. Functional consequence: retained intron. Not counted in ClinVar's aggregate classification.

Dr. Peter K. Rogan Lab, Western University
No classification provided (evidence only). Condition: Melanoma. Review status: no classification provided. Collection method: in vitro. Allele origin: not applicable. Functional consequence: retained intron. Not counted in ClinVar's aggregate classification.

Dr. Peter K. Rogan Lab, Western University
No classification provided (evidence only). Condition: Melanoma. Review status: no classification provided. Collection method: in vitro. Allele origin: not applicable. Functional consequence: retained intron. Not counted in ClinVar's aggregate classification.

Dr. Peter K. Rogan Lab, Western University
No classification provided (evidence only). Condition: Melanoma. Review status: no classification provided. Collection method: in vitro. Allele origin: not applicable. Functional consequence: retained intron. Not counted in ClinVar's aggregate classification.

Dr. Peter K. Rogan Lab, Western University
No classification provided (evidence only). Condition: Melanoma. Review status: no classification provided. Collection method: in vitro. Allele origin: not applicable. Functional consequence: retained intron. Not counted in ClinVar's aggregate classification.

Dr. Peter K. Rogan Lab, Western University
No classification provided (evidence only). Condition: Melanoma. Review status: no classification provided. Collection method: in vitro. Allele origin: not applicable. Functional consequence: retained intron. Not counted in ClinVar's aggregate classification.

Dr. Peter K. Rogan Lab, Western University
No classification provided (evidence only). Condition: Thyroid cancer, nonmedullary, 1. Review status: no classification provided. Collection method: in vitro. Allele origin: not applicable. Functional consequence: retained intron. Not counted in ClinVar's aggregate classification.

Dr. Peter K. Rogan Lab, Western University
No classification provided (evidence only). Condition: Cervical cancer. Review status: no classification provided. Collection method: in vitro. Allele origin: not applicable. Functional consequence: retained intron. Not counted in ClinVar's aggregate classification.

Dr. Peter K. Rogan Lab, Western University
No classification provided (evidence only). Condition: Cervical cancer. Review status: no classification provided. Collection method: in vitro. Allele origin: not applicable. Functional consequence: retained intron. Not counted in ClinVar's aggregate classification.

Dr. Peter K. Rogan Lab, Western University
No classification provided (evidence only). Condition: Cervical cancer. Review status: no classification provided. Collection method: in vitro. Allele origin: not applicable. Functional consequence: retained intron. Not counted in ClinVar's aggregate classification.

Dr. Peter K. Rogan Lab, Western University
No classification provided (evidence only). Condition: Sarcoma. Review status: no classification provided. Collection method: in vitro. Allele origin: not applicable. Functional consequence: retained intron. Not counted in ClinVar's aggregate classification.

Dr. Peter K. Rogan Lab, Western University
No classification provided (evidence only). Condition: Sarcoma. Review status: no classification provided. Collection method: in vitro. Allele origin: not applicable. Functional consequence: retained intron. Not counted in ClinVar's aggregate classification.

Dr. Peter K. Rogan Lab, Western University
No classification provided (evidence only). Condition: Hepatocellular carcinoma. Review status: no classification provided. Collection method: in vitro. Allele origin: not applicable. Functional consequence: retained intron. Not counted in ClinVar's aggregate classification.

Dr. Peter K. Rogan Lab, Western University
No classification provided (evidence only). Condition: Hepatocellular carcinoma. Review status: no classification provided. Collection method: in vitro. Allele origin: not applicable. Functional consequence: retained intron. Not counted in ClinVar's aggregate classification.

Dr. Peter K. Rogan Lab, Western University
No classification provided (evidence only). Condition: Ovarian serous cystadenocarcinoma. Review status: no classification provided. Collection method: in vitro. Allele origin: not applicable. Functional consequence: retained intron. Not counted in ClinVar's aggregate classification.

Dr. Peter K. Rogan Lab, Western University
No classification provided (evidence only). Condition: Ovarian serous cystadenocarcinoma. Review status: no classification provided. Collection method: in vitro. Allele origin: not applicable. Functional consequence: retained intron. Not counted in ClinVar's aggregate classification.

Dr. Peter K. Rogan Lab, Western University
No classification provided (evidence only). Condition: Ovarian serous cystadenocarcinoma. Review status: no classification provided. Collection method: in vitro. Allele origin: not applicable. Functional consequence: retained intron. Not counted in ClinVar's aggregate classification.

Dr. Peter K. Rogan Lab, Western University
No classification provided (evidence only). Condition: Ovarian serous cystadenocarcinoma. Review status: no classification provided. Collection method: in vitro. Allele origin: not applicable. Functional consequence: retained intron. Not counted in ClinVar's aggregate classification.

Dr. Peter K. Rogan Lab, Western University
No classification provided (evidence only). Condition: Ovarian serous cystadenocarcinoma. Review status: no classification provided. Collection method: in vitro. Allele origin: not applicable. Functional consequence: retained intron. Not counted in ClinVar's aggregate classification.

Dr. Peter K. Rogan Lab, Western University
No classification provided (evidence only). Condition: Ovarian serous cystadenocarcinoma. Review status: no classification provided. Collection method: in vitro. Allele origin: not applicable. Functional consequence: retained intron. Not counted in ClinVar's aggregate classification.

Dr. Peter K. Rogan Lab, Western University
No classification provided (evidence only). Condition: Ovarian serous cystadenocarcinoma. Review status: no classification provided. Collection method: in vitro. Allele origin: not applicable. Functional consequence: retained intron. Not counted in ClinVar's aggregate classification.

Dr. Peter K. Rogan Lab, Western University
No classification provided (evidence only). Condition: Ovarian serous cystadenocarcinoma. Review status: no classification provided. Collection method: in vitro. Allele origin: not applicable. Functional consequence: retained intron. Not counted in ClinVar's aggregate classification.

Dr. Peter K. Rogan Lab, Western University
No classification provided (evidence only). Condition: Ovarian serous cystadenocarcinoma. Review status: no classification provided. Collection method: in vitro. Allele origin: not applicable. Functional consequence: retained intron. Not counted in ClinVar's aggregate classification.

Dr. Peter K. Rogan Lab, Western University
No classification provided (evidence only). Condition: Gastric cancer. Review status: no classification provided. Collection method: in vitro. Allele origin: not applicable. Functional consequence: retained intron. Not counted in ClinVar's aggregate classification.

Dr. Peter K. Rogan Lab, Western University
No classification provided (evidence only). Condition: Gastric cancer. Review status: no classification provided. Collection method: in vitro. Allele origin: not applicable. Functional consequence: retained intron. Not counted in ClinVar's aggregate classification.

Dr. Peter K. Rogan Lab, Western University
No classification provided (evidence only). Condition: Gastric cancer. Review status: no classification provided. Collection method: in vitro. Allele origin: not applicable. Functional consequence: retained intron. Not counted in ClinVar's aggregate classification.

Dr. Peter K. Rogan Lab, Western University
No classification provided (evidence only). Condition: Gastric cancer. Review status: no classification provided. Collection method: in vitro. Allele origin: not applicable. Functional consequence: retained intron. Not counted in ClinVar's aggregate classification.

Dr. Peter K. Rogan Lab, Western University
No classification provided (evidence only). Condition: Gastric cancer. Review status: no classification provided. Collection method: in vitro. Allele origin: not applicable. Functional consequence: retained intron. Not counted in ClinVar's aggregate classification.

Dr. Peter K. Rogan Lab, Western University
No classification provided (evidence only). Condition: Gastric cancer. Review status: no classification provided. Collection method: in vitro. Allele origin: not applicable. Functional consequence: retained intron. Not counted in ClinVar's aggregate classification.

Dr. Peter K. Rogan Lab, Western University
No classification provided (evidence only). Condition: Gastric cancer. Review status: no classification provided. Collection method: in vitro. Allele origin: not applicable. Functional consequence: retained intron. Not counted in ClinVar's aggregate classification.

Dr. Peter K. Rogan Lab, Western University
No classification provided (evidence only). Condition: Malignant tumor of esophagus. Review status: no classification provided. Collection method: in vitro. Allele origin: not applicable. Functional consequence: retained intron. Not counted in ClinVar's aggregate classification.

NM_015904.4(EIF5B):c.1215G>T (p.Gly405=)

Gene: EIF5B (eukaryotic translation initiation factor 5B; plus strand). Cytogenetic location: 2q11.2.
Variant type: single nucleotide variant.
Coding change: c.1215G>T on transcript NM_015904.4 (MANE Select); coding-DNA position 1215, G replaced by T.
Protein change: p.Gly405=; no amino-acid change (glycine 405 retained).
Molecular consequence: synonymous variant.
Genome position (GRCh38, 1-based): chr2:99,364,348, G>T. VCF-style: chr2-99364348-G-T. GRCh37 (hg19) VCF-style: chr2-99980811-G-T.
Other names: NC_000002.11:g.99980811G>T.
Identifiers: ClinVar variation 3770421 (VCV003770421.14).